The following is an entry in ClinVar:

NM_001846.4(COL4A2):c.1166dup (p.Gly390fs)

Gene: COL4A2 (collagen type IV alpha 2 chain; plus strand). Cytogenetic location: 13q34.
Variant type: Duplication.
Coding change: c.1166dup on transcript NM_001846.4 (MANE Select); coding-DNA position 1166, one base duplicated (C; older notation c.1166dupC).
Protein change: p.Gly390fs; shifts the reading frame from glycine 390.
Molecular consequence: frameshift variant.
Genome position (GRCh38, 1-based): chr13:110,449,766, C duplicated; the last of 5 consecutive C bases (chr13:110,449,762-110,449,766); duplicating any one gives the same sequence. VCF-style (leftmost placement, unchanged base first): chr13-110449761-T-TC. GRCh37 (hg19) VCF-style: chr13-111102108-T-TC.
Other names: c.1166dup (NM_001846.2); short protein forms G390fs.
Identifiers: ClinVar variation 2156645 (VCV002156645.5), dbSNP rs2502093530, ClinGen allele CA2580087145.

ClinVar aggregate classification (germline): Conflicting classifications of pathogenicity. Review status: criteria provided, conflicting classifications (1 of 4 stars). 2 submissions from 2 submitters: Pathogenic (1); Uncertain significance (1). Last evaluated 2025-07-05.

Submissions (2):

GeneDx
Classification: Uncertain significance. Last evaluated: 2025-07-05. Review status: criteria provided, single submitter. Criteria: GeneDx Variant Classification Process June 2021. Collection method: clinical testing. Allele origin: germline. Affected: yes.
Comment: Frameshift variant predicted to result in protein truncation or nonsense mediated decay in a gene or region of a gene for which loss of function is not a well-established mechanism of disease; Has not been previously published as pathogenic or benign to our knowledge

Labcorp Genetics (formerly Invitae), Labcorp
Classification: Pathogenic. Last evaluated: 2023-12-11. Review status: criteria provided, single submitter. Criteria: Invitae Variant Classification Sherloc (09022015). Collection method: clinical testing. Allele origin: germline.
Comment: This sequence change creates a premature translational stop signal (p.Gly390Trpfs*16) in the COL4A2 gene. It is expected to result in an absent or disrupted protein product. Loss-of-function variants in COL4A2 are known to be pathogenic (PMID: 22333902, 30315939). This variant is not present in population databases (gnomAD no frequency). This variant has not been reported in the literature in individuals affected with COL4A2-related conditions. ClinVar contains an entry for this variant (Variation ID: 2156645). For these reasons, this variant has been classified as Pathogenic.

Literature cited by the submitters: PubMed 22333902 (cited by Labcorp Genetics (formerly Invitae), Labcorp); PubMed 30315939 (cited by Labcorp Genetics (formerly Invitae), Labcorp).